The following is an entry in ClinVar:

NM_001065.3(TNFRSF1A):c.-383A>C

Gene: TNFRSF1A (TNF receptor superfamily member 1A; minus strand). Cytogenetic location: 12p13.31.
Variant type: single nucleotide variant.
Coding change: c.-383A>C on transcript NM_001065.3; 383 bases upstream of the start codon, A replaced by C.
Genome position (GRCh38, 1-based): chr12:6,342,197, T>G on the plus strand (A>C on the coding strand, the complement: TNFRSF1A is on the minus strand). VCF-style: chr12-6342197-T-G. GRCh37 (hg19) VCF-style: chr12-6451363-T-G.
Identifiers: ClinVar variation 672938 (VCV000672938.4), dbSNP rs2234649, ClinGen allele CA13612647.

ClinVar aggregate classification (germline): Benign. Review status: criteria provided, multiple submitters, no conflicts (2 of 4 stars). 2 submissions from 2 submitters: Benign (2). Last evaluated 2018-06-14.

Allele frequency attached by ClinVar (database versions not stated): gnomAD 0.04811 and 0.04849; TOPMed 0.05424; 1000 Genomes Project 0.07508; gnomAD exomes 0.02553; 1000 Genomes Project 30x 0.07745.

Submissions (2):

GeneDx
Classification: Benign. Last evaluated: 2018-06-14. Review status: criteria provided, single submitter. Criteria: GeneDx Variant Classification (06012015). Collection method: clinical testing. Allele origin: germline. Affected: yes.
Comment: This variant is considered likely benign or benign based on one or more of the following criteria: it is a conservative change, it occurs at a poorly conserved position in the protein, it is predicted to be benign by multiple in silico algorithms, and/or has population frequency not consistent with disease.

Breakthrough Genomics
Classification: Benign. Review status: criteria provided, single submitter. Criteria: ACMG Guidelines, 2015. Collection method: not provided. Allele origin: germline. Inheritance: Autosomal dominant inheritance. Affected: yes.